The following is an entry in ClinVar:

NM_000548.5(TSC2):c.143T>G (p.Leu48Arg)

Gene: TSC2 (TSC complex subunit 2; plus strand). Cytogenetic location: 16p13.3.
Variant type: single nucleotide variant.
Coding change: c.143T>G on transcript NM_000548.5 (MANE Select); coding-DNA position 143, T replaced by G.
Protein change: p.Leu48Arg; replaces leucine 48 with arginine.
Molecular consequence: missense variant. On other transcripts: 5 prime UTR variant (25), non-coding transcript variant (5).
Genome position (GRCh38, 1-based): chr16:2,050,404, T>G. VCF-style: chr16-2050404-T-G. GRCh37 (hg19) VCF-style: chr16-2100405-T-G.
Other names: c.143T>G, p.Leu48Arg (NM_001077183.3, NM_001114382.3, NM_001318827.2 and 13 more transcripts); c.-5T>G (NM_001318829.2, NM_001406675.1, NM_001406676.1 and 2 more transcripts); c.-84T>G (NM_001318831.2, NM_001406682.1, NM_001406684.1 and 3 more transcripts); c.176T>G, p.Leu59Arg (NM_001318832.2); c.-674T>G (NM_001406680.1, NM_001406683.1, NM_001406687.1); c.-303T>G (NM_001406681.1); c.-1289T>G (NM_001406689.1, NM_001406690.1, NM_001406691.1 and 2 more transcripts); c.-1595T>G (NM_001406693.1); and 3 more; short protein forms L48R, L59R.
Identifiers: ClinVar variation 3637169 (VCV003637169.2).

ClinVar aggregate classification (germline): Uncertain significance (1 of 4 stars; one submission).

Conditions:
Tuberous sclerosis 2 (TSC2). Identifiers: Orphanet 805, MedGen C1860707, MONDO:0013199, OMIM 613254.

Submission:

Labcorp Genetics (formerly Invitae), Labcorp
Classification: Uncertain significance for Tuberous sclerosis 2. Last evaluated: 2024-02-15. Review status: criteria provided, single submitter. Criteria: Invitae Variant Classification Sherloc (09022015). Collection method: clinical testing. Allele origin: germline.
Comment: This sequence change replaces leucine, which is neutral and non-polar, with arginine, which is basic and polar, at codon 48 of the TSC2 protein (p.Leu48Arg). This variant is not present in population databases (gnomAD no frequency). This variant has not been reported in the literature in individuals affected with TSC2-related conditions. Advanced modeling of protein sequence and biophysical properties (such as structural, functional, and spatial information, amino acid conservation, physicochemical variation, residue mobility, and thermodynamic stability) performed at Invitae indicates that this missense variant is not expected to disrupt TSC2 protein function with a negative predictive value of 95%. In summary, the available evidence is currently insufficient to determine the role of this variant in disease. Therefore, it has been classified as a Variant of Uncertain Significance.